The following is an entry in ClinVar:

NM_178857.6(RP1L1):c.1434C>T (p.Asp478=)

Gene: RP1L1 (RP1 like 1). Cytogenetic location: 8p23.1.
Variant type: single nucleotide variant.
Coding change: c.1434C>T on transcript NM_178857.6 (MANE Select); coding-DNA position 1434, C replaced by T.
Protein change: p.Asp478=; no amino-acid change (aspartic acid 478 retained).
Molecular consequence: synonymous variant.
Genome position (GRCh38, 1-based): chr8:10,612,664, G>A on the plus strand (C>T on the coding strand, the complement: RP1L1 is on the minus strand). VCF-style: chr8-10612664-G-A. GRCh37 (hg19) VCF-style: chr8-10470174-G-A.
Identifiers: ClinVar variation 361376 (VCV000361376.48), dbSNP rs138367868, ClinGen allele CA4625174.

ClinVar aggregate classification (germline): Benign/Likely benign. Review status: criteria provided, multiple submitters, no conflicts (2 of 4 stars). 3 submissions from 3 submitters: Benign (1); Likely benign (2). Last evaluated 2024-11-08.

Conditions:
Occult macular dystrophy (OCMD). Also called: OMD; OCCULT MACULAR DYSTROPHY, SUSCEPTIBILITY TO. Identifiers: Orphanet 247834, MedGen C3150833, MONDO:0013316, OMIM 613587, HP:0030636.

Allele frequency attached by ClinVar (database versions not stated): 1000 Genomes Project 0.00020; 1000 Genomes Project 30x 0.00031; ExAC 0.00058; gnomAD exomes 0.00063; ESP Exome Variant Server 0.00066; gnomAD 0.00071 and 0.00075; TOPMed 0.00096.

Submissions (3):

Blueprint Genetics
Classification: Likely benign. Last evaluated: 2024-11-08. Review status: criteria provided, single submitter. Criteria: ACMG Guidelines, 2015. Collection method: clinical testing. Allele origin: germline.

CeGaT Center for Human Genetics Tuebingen
Classification: Likely benign. Last evaluated: 2024-08-01. Review status: criteria provided, single submitter. Criteria: CeGaT Center For Human Genetics Tuebingen Variant Classification Criteria Version 2. Collection method: clinical testing. Allele origin: germline. Affected: yes. Observed: 3 variant alleles.
Comment: RP1L1: BP4, BP7

Illumina Laboratory Services, Illumina
Classification: Benign for Occult macular dystrophy. Last evaluated: 2018-01-13. Review status: criteria provided, single submitter. Criteria: ICSL Variant Classification Criteria 13 December 2019. Collection method: clinical testing. Allele origin: germline.
Comment: This variant was observed in the ICSL laboratory as part of a predisposition screen in an ostensibly healthy population. It had not been previously curated by ICSL or reported in the Human Gene Mutation Database (HGMD: prior to June 1st, 2018), and was therefore a candidate for classification through an automated scoring system. Utilizing variant allele frequency, disease prevalence and penetrance estimates, and inheritance mode, an automated score was calculated to assess if this variant is too frequent to cause the disease. Based on the score and internal cut-off values, a variant classified as benign is not then subjected to further curation. The score for this variant resulted in a classification of benign for this disease.